The following is an entry in ClinVar:

NM_020911.2(PLXNA4):c.5002C>T (p.Arg1668Trp)

Gene: PLXNA4 (plexin A4; minus strand). Cytogenetic location: 7q32.3.
Variant type: single nucleotide variant.
Coding change: c.5002C>T on transcript NM_020911.2 (MANE Select); coding-DNA position 5002, C replaced by T.
Protein change: p.Arg1668Trp; replaces arginine 1668 with tryptophan.
Molecular consequence: missense variant.
Genome position (GRCh38, 1-based): chr7:132,146,563, G>A on the plus strand (C>T on the coding strand, the complement: PLXNA4 is on the minus strand). VCF-style: chr7-132146563-G-A. GRCh37 (hg19) VCF-style: chr7-131831322-G-A.
Other names: c.5002C>T, p.Arg1668Trp (NM_001393897.1); short protein forms R1668W.
Identifiers: ClinVar variation 4978642 (VCV004978642.1).

ClinVar aggregate classification (germline): Uncertain significance (1 of 4 stars; one submission).

Conditions:
PLXNA4-related disorder. Also called: PLXNA4-related condition.

gnomAD v4.1: 5 of 1,614,050 alleles (0.00031%); highest among the groups gnomAD compares: Non-Finnish European, 0.00042%; no homozygotes.

Submission:

PreventionGenetics, part of Exact Sciences
Classification: Uncertain significance for PLXNA4-related condition. Last evaluated: 2025-07-07. Review status: criteria provided, single submitter. Criteria: ACMG Guidelines, 2015. Collection method: clinical testing. Allele origin: germline.
Comment: The PLXNA4 c.5002C>T variant is predicted to result in the amino acid substitution p.Arg1668Trp. To our knowledge, this variant has not been reported in the literature. This variant has been reported in 1 heterozygous individual within the 'other' subpopulation in gnomAD. At this time, the clinical significance of this variant is uncertain due to the absence of conclusive functional and genetic evidence.